The following is an entry in ClinVar:

ClinVar aggregate classification (germline): Uncertain significance. Review status: criteria provided, multiple submitters, no conflicts (2 of 4 stars). 2 submissions from 2 submitters: Uncertain significance (2). Last evaluated 2025-10-31.

Allele frequency attached by ClinVar (database versions not stated): ExAC 0.00005; 1000 Genomes Project 30x 0.00016; 1000 Genomes Project 0.00020; gnomAD 0.00025; TOPMed 0.00028.
gnomAD v4.1: 88 of 1,595,010 alleles (0.0055%); highest among the groups gnomAD compares: Admixed American, 0.099%; no homozygotes.

Submissions (2):

Labcorp Genetics (formerly Invitae), Labcorp
Classification: Uncertain significance. Last evaluated: 2025-10-31. Review status: criteria provided, single submitter. Criteria: Invitae Variant Classification Sherloc (09022015). Collection method: clinical testing. Allele origin: germline.
Comment: This sequence change replaces glycine, which is neutral and non-polar, with arginine, which is basic and polar, at codon 125 of the APOA4 protein (p.Gly125Arg). This variant is present in population databases (rs546075642, gnomAD 0.05%). This missense change has been observed in individual(s) with dyslipidemia (PMID: 36325899). ClinVar contains an entry for this variant (Variation ID: 2354451). Invitae Evidence Modeling of protein sequence and biophysical properties (such as structural, functional, and spatial information, amino acid conservation, physicochemical variation, residue mobility, and thermodynamic stability) indicates that this missense variant is expected to disrupt APOA4 protein function with a positive predictive value of 80%. In summary, the available evidence is currently insufficient to determine the role of this variant in disease. Therefore, it has been classified as a Variant of Uncertain Significance.

Ambry Genetics
Classification: Uncertain significance. Last evaluated: 2021-08-02. Review status: criteria provided, single submitter. Criteria: Ambry Variant Classification Scheme 2023. Collection method: clinical testing. Allele origin: germline.

Literature cited by the submitters: PubMed 36325899 (cited by Labcorp Genetics (formerly Invitae), Labcorp).

NM_000482.4(APOA4):c.373G>A (p.Gly125Arg)

Gene: APOA4 (apolipoprotein A4; minus strand). Cytogenetic location: 11q23.3.
Variant type: single nucleotide variant.
Coding change: c.373G>A on transcript NM_000482.4 (MANE Select); coding-DNA position 373, G replaced by A.
Protein change: p.Gly125Arg; replaces glycine 125 with arginine.
Molecular consequence: missense variant.
Genome position (GRCh38, 1-based): chr11:116,821,685, C>T on the plus strand (G>A on the coding strand, the complement: APOA4 is on the minus strand). VCF-style: chr11-116821685-C-T. GRCh37 (hg19) VCF-style: chr11-116692401-C-T.
Other names: short protein forms G125R.
Identifiers: ClinVar variation 2354451 (VCV002354451.3), dbSNP rs546075642, ClinGen allele CA6289451.